The following is an entry in ClinVar:

ClinVar aggregate classification (germline): Likely pathogenic (1 of 4 stars; one submission).

Submission:

Ambry Genetics
Classification: Likely pathogenic. Last evaluated: 2025-05-08. Review status: criteria provided, single submitter. Criteria: Ambry Variant Classification Scheme 2023. Collection method: clinical testing. Allele origin: germline.
Comment: The c.3+1G>A intronic variant results from a G to A substitution one nucleotide after coding exon 1 of the RPS20 gene. In silico splice site analysis predicts that this alteration will weaken the native splice donor site; however, direct evidence is insufficient at this time (Ambry internal data). The stop codon in the predicted resulting transcript occurs in the 5' end ofthe RPS20 gene. As such, this alteration may escape nonsense-mediated mRNAdecay and/or be prone to rescue by reinitiation (Rivas et al. Science. 2015 May 8;348(6235):666-9; Lindeboom et al. Nat Genet. 2016 Oct;48(10):1112-8; Rhee et al. Sci Rep. 2017 May 10;7(1):1653). The exact functional effect of this alteration is unknown; however, a significant portion of the protein is affected (Ambry internal data). This variant is considered to be rare based on population cohorts in the Genome Aggregation Database (gnomAD). This nucleotide position is highly conserved in available vertebrate species. Based on the majority of available evidence to date, this variant is likely to be pathogenic.

NM_001023.4(RPS20):c.3+1G>A

Gene: RPS20 (ribosomal protein S20; minus strand). Cytogenetic location: 8q12.1.
Variant type: single nucleotide variant.
Coding change: c.3+1G>A on transcript NM_001023.4 (MANE Select); the canonical splice donor site of the intron after coding-DNA position 3, G replaced by A.
Molecular consequence: splice donor variant.
Genome position (GRCh38, 1-based): chr8:56,074,380, C>T on the plus strand (G>A on the coding strand, the complement: RPS20 is on the minus strand). VCF-style: chr8-56074380-C-T. GRCh37 (hg19) VCF-style: chr8-56986939-C-T.
Other names: c.3+1G>A (NM_001146227.3).
Identifiers: ClinVar variation 3947629 (VCV003947629.1).